The following is an entry in ClinVar:

ClinVar aggregate classification (germline): Uncertain significance. Review status: criteria provided, multiple submitters, no conflicts (2 of 4 stars). 2 submissions from 2 submitters: Uncertain significance (2). Last evaluated 2025-06-24.

Allele frequency attached by ClinVar (database versions not stated): gnomAD exomes 0.00001; ExAC 0.00002; TOPMed 0.00003.
gnomAD v4.1: 5 of 1,613,612 alleles (0.00031%); highest among the groups gnomAD compares: Admixed American, 0.0067%; no homozygotes.

Submissions (2):

Ambry Genetics
Classification: Uncertain significance. Last evaluated: 2025-06-24. Review status: criteria provided, single submitter. Criteria: Ambry Variant Classification Scheme 2023. Collection method: clinical testing. Allele origin: germline.

Labcorp Genetics (formerly Invitae), Labcorp
Classification: Uncertain significance. Last evaluated: 2022-07-19. Review status: criteria provided, single submitter. Criteria: Invitae Variant Classification Sherloc (09022015). Collection method: clinical testing. Allele origin: germline.
Comment: In summary, the available evidence is currently insufficient to determine the role of this variant in disease. Therefore, it has been classified as a Variant of Uncertain Significance. Algorithms developed to predict the effect of missense changes on protein structure and function are either unavailable or do not agree on the potential impact of this missense change (SIFT: "Deleterious"; PolyPhen-2: "Possibly Damaging"; Align-GVGD: "Class C0"). This variant has not been reported in the literature in individuals affected with IARS-related conditions. This variant is present in population databases (rs747724905, gnomAD 0.01%). This sequence change replaces serine, which is neutral and polar, with proline, which is neutral and non-polar, at codon 965 of the IARS protein (p.Ser965Pro).

NM_002161.6(IARS1):c.2893T>C (p.Ser965Pro)

Gene: IARS1 (isoleucyl-tRNA synthetase 1; minus strand). Cytogenetic location: 9q22.31.
Variant type: single nucleotide variant.
Coding change: c.2893T>C on transcript NM_002161.6 (MANE Select); coding-DNA position 2893, T replaced by C.
Protein change: p.Ser965Pro; replaces serine 965 with proline.
Molecular consequence: missense variant. On other transcripts: non-coding transcript variant (1).
Genome position (GRCh38, 1-based): chr9:92,244,970, A>G on the plus strand (T>C on the coding strand, the complement: IARS1 is on the minus strand). VCF-style: chr9-92244970-A-G. GRCh37 (hg19) VCF-style: chr9-95007252-A-G.
Other names: c.2893T>C (NM_013417.2); c.2818T>C, p.Ser940Pro (NM_001374299.1, NM_001374300.1, NM_001378584.1); c.2809T>C, p.Ser937Pro (NM_001374301.1); c.2956T>C, p.Ser986Pro (NM_001378569.1); c.2914T>C, p.Ser972Pro (NM_001378571.1); c.2893T>C, p.Ser965Pro (NM_001378572.1, NM_001378573.1, NM_001378574.1 and 9 more transcripts); c.2797T>C, p.Ser933Pro (NM_001378582.1); c.2770T>C, p.Ser924Pro (NM_001378583.1); short protein forms S924P, S937P, S986P, S940P, S965P, S933P, S972P.
Identifiers: ClinVar variation 1910517 (VCV001910517.6), dbSNP rs747724905, ClinGen allele CA5122068.
Genomic context (GRCh38, chr9:92,244,970, plus strand): 5'-TATGCTCTCATCTCTTGGTAAAGAAATGTTCTAGGAAACAGAAAAATACCTGAGCATCTG[A>G]GTGTGCTTCAAATTGCGCAGTCCCACCTGTGGCCTGATCAAAGGTGTACATGAGGCGGAT-3'
Protein context (NP_002152.2, residues 955-975): TGGTAQFEAH[Ser965Pro]DAQALVLLDV